The following is an entry in ClinVar:

NM_182972.3(IRF2BP2):c.317C>T (p.Ala106Val)

Genes: IRF2BP2 (interferon regulatory factor 2 binding protein 2; minus strand), LOC129932812 (ATAC-STARR-seq lymphoblastoid silent region 1977; plus strand). Cytogenetic location: 1q42.3.
Variant type: single nucleotide variant.
Coding change: c.317C>T on transcript NM_182972.3 (MANE Select); coding-DNA position 317, C replaced by T.
Protein change: p.Ala106Val; replaces alanine 106 with valine.
Molecular consequence: missense variant.
Genome position (GRCh38, 1-based): chr1:234,609,178, G>A on the plus strand (C>T on the coding strand, the complement: IRF2BP2 is on the minus strand). VCF-style: chr1-234609178-G-A. GRCh37 (hg19) VCF-style: chr1-234744924-G-A.
Other names: c.317C>T, p.Ala106Val (NM_001077397.1); short protein forms A106V.
Identifiers: ClinVar variation 4760558 (VCV004760558.1).
Genomic context (GRCh38, chr1:234,609,178, plus strand): 5'-GGCCTCTCGGCCGCGGCCGCCAACGGGTAGCGCTCCAAGGCCTGCGGCGCGCGCGGGGCC[G>A]CCTCGGGGCCGCCGTGGCCAAGCTGCTGCTGCTGCTGCAAAAGGATGTCCTTGGCGGAGA-3'
Protein context (NP_892017.2, residues 96-116): QQQLGHGGPE[Ala106Val]APRAPQALER

ClinVar aggregate classification (germline): Uncertain significance (1 of 4 stars; one submission).

Submission:

Labcorp Genetics (formerly Invitae), Labcorp
Classification: Uncertain significance. Last evaluated: 2025-10-27. Review status: criteria provided, single submitter. Criteria: Invitae Variant Classification Sherloc (09022015). Collection method: clinical testing. Allele origin: germline.
Comment: This sequence change replaces alanine, which is neutral and non-polar, with valine, which is neutral and non-polar, at codon 106 of the IRF2BP2 protein (p.Ala106Val). This variant is not present in population databases (gnomAD no frequency). This variant has not been reported in the literature in individuals affected with IRF2BP2-related conditions. An algorithm developed to predict the effect of missense changes on protein structure and function (PolyPhen-2) suggests that this variant is likely to be disruptive. In summary, the available evidence is currently insufficient to determine the role of this variant in disease. Therefore, it has been classified as a Variant of Uncertain Significance.